The following is an entry in ClinVar:

ClinVar aggregate classification (germline): Uncertain significance (1 of 4 stars; one submission).

Conditions:
Immunodeficiency 28 (IMD28). Also called: IFNGR2 DEFICIENCY. Identifiers: Orphanet 319547, Orphanet 319574, MedGen C4013947, MONDO:0013953, OMIM 614889.

Allele frequency attached by ClinVar (database versions not stated): gnomAD exomes below 0.00001.

Submission:

Labcorp Genetics (formerly Invitae), Labcorp
Classification: Uncertain significance for Immunodeficiency 28. Last evaluated: 2020-07-25. Review status: criteria provided, single submitter. Criteria: Invitae Variant Classification Sherloc (09022015). Collection method: clinical testing. Allele origin: germline.
Comment: Algorithms developed to predict the effect of missense changes on protein structure and function output the following: SIFT: "Deleterious"; PolyPhen-2: "Benign"; Align-GVGD: "Class C0". The tryptophan amino acid residue is found in multiple mammalian species, suggesting that this missense change does not adversely affect protein function. These predictions have not been confirmed by published functional studies and their clinical significance is uncertain. In summary, the available evidence is currently insufficient to determine the role of this variant in disease. Therefore, it has been classified as a Variant of Uncertain Significance. This variant has not been reported in the literature in individuals with IFNGR2-related conditions. This variant is not present in population databases (ExAC no frequency). This sequence change replaces arginine with tryptophan at codon 136 of the IFNGR2 protein (p.Arg136Trp). The arginine residue is moderately conserved and there is a moderate physicochemical difference between arginine and tryptophan.

NM_005534.4(IFNGR2):c.406C>T (p.Arg136Trp)

Gene: IFNGR2 (interferon gamma receptor 2; plus strand). Cytogenetic location: 21q22.11.
Variant type: single nucleotide variant.
Coding change: c.406C>T on transcript NM_005534.4 (MANE Select); coding-DNA position 406, C replaced by T.
Protein change: p.Arg136Trp; replaces arginine 136 with tryptophan.
Molecular consequence: missense variant.
Genome position (GRCh38, 1-based): chr21:33,421,679, C>T. VCF-style: chr21-33421679-C-T. GRCh37 (hg19) VCF-style: chr21-34793986-C-T.
Other names: c.463C>T, p.Arg155Trp (NM_001329128.2); short protein forms R136W, R155W.
Identifiers: ClinVar variation 1002548 (VCV001002548.9), dbSNP rs1320302979, ClinGen allele CA410117523.